The following is an entry in ClinVar:

NM_001267550.2(TTN):c.18676C>A (p.Pro6226Thr)

Genes: TTN (titin; minus strand), LOC126806430 (BRD4-independent group 4 enhancer GRCh37_chr2:179593794-179594993; plus strand). Cytogenetic location: 2q31.2.
Variant type: single nucleotide variant.
Coding change: c.18676C>A on transcript NM_001267550.2 (MANE Select); coding-DNA position 18676, C replaced by A.
Protein change: p.Pro6226Thr; replaces proline 6226 with threonine.
Molecular consequence: missense variant. On other transcripts: intron variant (3).
Genome position (GRCh38, 1-based): chr2:178,729,480, G>T on the plus strand (C>A on the coding strand, the complement: TTN is on the minus strand). VCF-style: chr2-178729480-G-T. GRCh37 (hg19) VCF-style: chr2-179594207-G-T.
Other names: c.17725C>A, p.Pro5909Thr (NM_001256850.1); c.14944C>A, p.Pro4982Thr (NM_133378.4); c.13282+8602C>A (NM_003319.4); c.13858+8602C>A (NM_133437.4); c.13657+8602C>A (NM_133432.3); short protein forms P4982T, P5909T, P6226T.
Identifiers: ClinVar variation 3776658 (VCV003776658.1).

ClinVar aggregate classification (germline): Uncertain significance (1 of 4 stars; one submission).

gnomAD v4.1: 1 of 1,613,586 alleles (0.000062%); highest among the groups gnomAD compares: Non-Finnish European, 0.000085%; no homozygotes.

Submission:

GeneDx
Classification: Uncertain significance. Last evaluated: 2024-10-07. Review status: criteria provided, single submitter. Criteria: GeneDx Variant Classification Process June 2021. Collection method: clinical testing. Allele origin: germline. Affected: yes.
Comment: Not observed at significant frequency in large population cohorts (gnomAD); Missense variant in a gene in which most reported pathogenic variants are truncating/loss of function; Has not been previously published as pathogenic or benign to our knowledge